The following is an entry in ClinVar:

NM_013266.4(CTNNA3):c.259C>A (p.Leu87Ile)

Gene: CTNNA3 (catenin alpha 3; minus strand). Cytogenetic location: 10q21.3.
Variant type: single nucleotide variant.
Coding change: c.259C>A on transcript NM_013266.4 (MANE Select); coding-DNA position 259, C replaced by A.
Protein change: p.Leu87Ile; replaces leucine 87 with isoleucine.
Molecular consequence: missense variant.
Genome position (GRCh38, 1-based): chr10:67,606,890, G>T on the plus strand (C>A on the coding strand, the complement: CTNNA3 is on the minus strand). VCF-style: chr10-67606890-G-T. GRCh37 (hg19) VCF-style: chr10-69366648-G-T.
Other names: c.259C>A, p.Leu87Ile (NM_001127384.3); c.295C>A, p.Leu99Ile (NM_001291133.2); short protein forms L87I, L99I.
Identifiers: ClinVar variation 3270125 (VCV003270125.1).

ClinVar aggregate classification (germline): Uncertain significance (1 of 4 stars; one submission).

Submission:

Ambry Genetics
Classification: Uncertain significance. Last evaluated: 2024-05-17. Review status: criteria provided, single submitter. Criteria: Ambry Variant Classification Scheme 2023. Collection method: clinical testing. Allele origin: germline.
Comment: The p.L87I variant (also known as c.259C>A), located in coding exon 2 of the CTNNA3 gene, results from a C to A substitution at nucleotide position 259. The leucine at codon 87 is replaced by isoleucine, an amino acid with highly similar properties. This amino acid position is conserved. In addition, the in silico prediction for this alteration is inconclusive. Based on the available evidence, the clinical significance of this variant remains unclear.